The following is an entry in ClinVar:

NM_003836.7(DLK1):c.195C>T (p.His65=)

Gene: DLK1 (delta like non-canonical Notch ligand 1; plus strand). Cytogenetic location: 14q32.2.
Variant type: single nucleotide variant.
Coding change: c.195C>T on transcript NM_003836.7 (MANE Select); coding-DNA position 195, C replaced by T.
Protein change: p.His65=; no amino-acid change (histidine 65 retained).
Molecular consequence: synonymous variant.
Genome position (GRCh38, 1-based): chr14:100,728,999, C>T. VCF-style: chr14-100728999-C-T. GRCh37 (hg19) VCF-style: chr14-101195336-C-T.
Other names: c.195C>T, p.His65= (NM_001317172.2).
Identifiers: ClinVar variation 4822088 (VCV004822088.4).

ClinVar aggregate classification (germline): Likely benign (1 of 4 stars; one submission).

Submission:

CeGaT Center for Human Genetics Tuebingen
Classification: Likely benign. Last evaluated: 2026-03-01. Review status: criteria provided, single submitter. Criteria: CeGaT Center For Human Genetics Tuebingen Variant Classification Criteria Version 2. Collection method: clinical testing. Allele origin: germline. Affected: yes. Observed: 1 variant allele.
Comment: DLK1: BP4, BP7